The following is an entry in ClinVar:

ClinVar aggregate classification (germline): Uncertain significance (1 of 4 stars; one submission).

Conditions:
Cardiovascular phenotype. Identifiers: MedGen CN230736.

gnomAD v4.1: 1 of 1,614,042 alleles (0.000062%); highest among the groups gnomAD compares: South Asian, 0.0011%; no homozygotes.

Submission:

Ambry Genetics
Classification: Uncertain significance for Cardiovascular phenotype. Last evaluated: 2026-07-04. Review status: criteria provided, single submitter. Criteria: Ambry Variant Classification Scheme 2023. Collection method: clinical testing. Allele origin: germline.
Comment: The p.P305S variant (also known as c.913C>T), located in coding exon 7 of the SPRED1 gene, results from a C to T substitution at nucleotide position 913. The proline at codon 305 is replaced by serine, an amino acid with similar properties. This amino acid position is conserved. In addition, this alteration is predicted to be tolerated by in silico analysis. Based on the available evidence, the clinical significance of this variant remains unclear.

NM_152594.3(SPRED1):c.913C>T (p.Pro305Ser)

Gene: SPRED1 (sprouty related EVH1 domain containing 1; plus strand). Cytogenetic location: 15q14.
Variant type: single nucleotide variant.
Coding change: c.913C>T on transcript NM_152594.3 (MANE Select); coding-DNA position 913, C replaced by T.
Protein change: p.Pro305Ser; replaces proline 305 with serine.
Molecular consequence: missense variant.
Genome position (GRCh38, 1-based): chr15:38,351,242, C>T. VCF-style: chr15-38351242-C-T. GRCh37 (hg19) VCF-style: chr15-38643443-C-T.
Other names: short protein forms P305S.
Identifiers: ClinVar variation 5030109 (VCV005030109.1).